The following is an entry in ClinVar:

ClinVar aggregate classification (germline): Uncertain significance (1 of 4 stars; one submission).

Conditions:
Duchenne muscular dystrophy (DMD). Also called: Duchenne Muscular Dystrophy (DMD); MUSCULAR DYSTROPHY, PSEUDOHYPERTROPHIC PROGRESSIVE, DUCHENNE TYPE. Identifiers: Orphanet 98896, MedGen C0013264, MONDO:0010679, OMIM 310200.

Submission:

Labcorp Genetics (formerly Invitae), Labcorp
Classification: Uncertain significance for Duchenne muscular dystrophy. Last evaluated: 2019-08-13. Review status: criteria provided, single submitter. Criteria: Invitae Variant Classification Sherloc (09022015). Collection method: clinical testing. Allele origin: germline.
Comment: This variant results in a copy number gain of the genomic region encompassing exons 77-79 of the DMD gene. The 5' boundary is likely confined to intron 76. The 3' end of this event is unknown as it extends beyond the assayed region for this gene and therefore may encompass additional genes. As the precise location of this event is unknown, it may be in tandem or it may be located elsewhere in the genome. This variant has not been reported in the literature in individuals with DMD-related conditions. In summary, the available evidence is currently insufficient to determine the role of this variant in disease. Therefore, it has been classified as a Variant of Uncertain Significance.

NC_000023.11:g.(?_31121823)_(31134204_?)dup

Gene: DMD (dystrophin; minus strand). Cytogenetic location: Xp21.2.
Variant type: Duplication.
Identifiers: ClinVar variation 833223 (VCV000833223.1).